The following is an entry in ClinVar:

ClinVar aggregate classification (germline): Likely benign. Review status: criteria provided, multiple submitters, no conflicts (2 of 4 stars). 3 submissions from 3 submitters: Likely benign (3). Last evaluated 2025-12-16.

Conditions:
Vici syndrome (VICIS). Identifiers: Orphanet 1493, MedGen C1855772, MONDO:0009452, OMIM 242840.

Allele frequency attached by ClinVar (database versions not stated): TOPMed 0.00002; ESP Exome Variant Server 0.00008.
gnomAD v4.1: 65 of 1,613,838 alleles (0.004%); highest among the groups gnomAD compares: Admixed American, 0.005%; no homozygotes.

Submissions (3):

Labcorp Genetics (formerly Invitae), Labcorp
Classification: Likely benign for Vici syndrome. Last evaluated: 2025-12-16. Review status: criteria provided, single submitter. Criteria: Invitae Variant Classification Sherloc (09022015). Collection method: clinical testing. Allele origin: germline.

CeGaT Center for Human Genetics Tuebingen
Classification: Likely benign. Last evaluated: 2023-01-01. Review status: criteria provided, single submitter. Criteria: CeGaT Center For Human Genetics Tuebingen Variant Classification Criteria Version 2. Collection method: clinical testing. Allele origin: germline. Affected: yes. Observed: 1 variant allele.
Comment: EPG5: BP4, BP7

Blueprint Genetics
Classification: Likely benign. Last evaluated: 2021-05-17. Review status: criteria provided, single submitter. Criteria: ACMG Guidelines, 2015. Collection method: clinical testing. Allele origin: germline.

NM_020964.3(EPG5):c.291G>T (p.Thr97=)

Gene: EPG5 (ectopic P-granules 5 autophagy tethering factor; minus strand). Cytogenetic location: 18q21.1.
Variant type: single nucleotide variant.
Coding change: c.291G>T on transcript NM_020964.3 (MANE Select); coding-DNA position 291, G replaced by T.
Protein change: p.Thr97=; no amino-acid change (threonine 97 retained).
Molecular consequence: synonymous variant.
Genome position (GRCh38, 1-based): chr18:45,955,111, C>A on the plus strand (G>T on the coding strand, the complement: EPG5 is on the minus strand). VCF-style: chr18-45955111-C-A. GRCh37 (hg19) VCF-style: chr18-43535077-C-A.
Identifiers: ClinVar variation 712834 (VCV000712834.36), dbSNP rs376360251, ClinGen allele CA8949979.